The following is an entry in ClinVar:

ClinVar aggregate classification (germline): Benign (1 of 4 stars; one submission).

Conditions:
Prostate cancer, hereditary, 9 (HPC9). Identifiers: Orphanet 1331, MedGen C1970250, MONDO:0012597, OMIM 610997.

gnomAD v4.1: 1 of 1,612,174 alleles (0.000062%); highest among the groups gnomAD compares: Admixed American, 0.0017%; no homozygotes.

Submission:

Myriad Genetics, Inc.
Classification: Benign for Prostate cancer, hereditary, 9. Last evaluated: 2024-10-31. Review status: criteria provided, single submitter. Criteria: Myriad Autosomal Dominant, Autosomal Recessive and X-Linked Classification Criteria (2023). Collection method: clinical testing. Allele origin: unknown.
Comment: This variant is considered benign. This variant occurs in the non-coding 3' untranslated region of the gene, and is not expected to impact protein function.

NM_006361.6(HOXB13):c.*7T>C

Gene: HOXB13 (homeobox B13; minus strand). Cytogenetic location: 17q21.32.
Variant type: single nucleotide variant.
Coding change: c.*7T>C on transcript NM_006361.6 (MANE Select); 7 bases downstream of the stop codon, T replaced by C.
Molecular consequence: 3 prime UTR variant.
Genome position (GRCh38, 1-based): chr17:48,726,783, A>G on the plus strand (T>C on the coding strand, the complement: HOXB13 is on the minus strand). VCF-style: chr17-48726783-A-G. GRCh37 (hg19) VCF-style: chr17-46804145-A-G.
Identifiers: ClinVar variation 3772804 (VCV003772804.1).